The following is an entry in ClinVar:

ClinVar aggregate classification (germline): Pathogenic/Likely pathogenic. Review status: criteria provided, multiple submitters, no conflicts (2 of 4 stars). 2 submissions from 2 submitters: Pathogenic (1); Likely pathogenic (1). Last evaluated 2025-08-19.

Conditions:
Neurofibromatosis, type 1 (NF1). Also called: Neurofibromatosis, type I; VON RECKLINGHAUSEN DISEASE; Peripheral type neurofibromatosis; NEUROFIBROMATOSIS, TYPE I, SOMATIC. Identifiers: Orphanet 636, MedGen C0027831, MONDO:0018975, OMIM 162200. Disease mechanism: loss of function.

Submissions (2):

Labcorp Genetics (formerly Invitae), Labcorp
Classification: Pathogenic for Neurofibromatosis, type 1. Last evaluated: 2025-08-19. Review status: criteria provided, single submitter. Criteria: Invitae Variant Classification Sherloc (09022015). Collection method: clinical testing. Allele origin: germline.
Comment: This sequence change creates a premature translational stop signal (p.Thr2397Asnfs*4) in the NF1 gene. It is expected to result in an absent or disrupted protein product. Loss-of-function variants in NF1 are known to be pathogenic (PMID: 10712197, 23913538). This variant is not present in population databases (gnomAD no frequency). This variant has not been reported in the literature in individuals affected with NF1-related conditions. ClinVar contains an entry for this variant (Variation ID: 3572041). For these reasons, this variant has been classified as Pathogenic.

Quest Diagnostics Nichols Institute San Juan Capistrano
Classification: Likely pathogenic. Last evaluated: 2023-10-12. Review status: criteria provided, single submitter. Criteria: Quest Diagnostics criteria. Collection method: clinical testing. Allele origin: unknown.
Comment: The NF1 c.7189dup (p.Thr2397Asnfs*4) variant alters the translational reading frame of the NF1 mRNA and is predicted to cause the premature termination of NF1 protein synthesis. To the best of our knowledge, this variant has not been reported in the published literature. It also has not been reported in large, multi-ethnic general populations (Genome Aggregation Database). Based on the available information, this variant is classified as likely pathogenic.

Literature cited by the submitters: PubMed 10712197 (cited by Labcorp Genetics (formerly Invitae), Labcorp); PubMed 23913538 (cited by Labcorp Genetics (formerly Invitae), Labcorp).

NM_001042492.3(NF1):c.7252dup (p.Thr2418fs)

Gene: NF1 (neurofibromin 1; plus strand). Cytogenetic location: 17q11.2.
Variant type: Duplication.
Coding change: c.7252dup on transcript NM_001042492.3 (MANE Select); coding-DNA position 7252, one base duplicated (A; older notation c.7252dupA).
Protein change: p.Thr2418fs; shifts the reading frame from threonine 2418.
Molecular consequence: frameshift variant.
Genome position (GRCh38, 1-based): chr17:31,349,182, A duplicated; the last of 2 consecutive A bases (chr17:31,349,181-31,349,182); duplicating either gives the same sequence. VCF-style (leftmost placement, unchanged base first): chr17-31349180-T-TA. GRCh37 (hg19) VCF-style: chr17-29676198-T-TA.
Other names: c.7189dup, p.Thr2397Asnfs (NM_000267.4); short protein forms T2397fs, T2418fs.
Identifiers: ClinVar variation 3572041 (VCV003572041.2).